The following is an entry in ClinVar:

NM_000077.5(CDKN2A):c.286_298delinsT (p.Val96_Ala100delinsSer)

Gene: CDKN2A (cyclin dependent kinase inhibitor 2A; minus strand). Cytogenetic location: 9p21.3.
Variant type: Indel.
Coding change: c.286_298delinsT on transcript NM_000077.5; coding-DNA positions 286 to 298, GTGCTGCACCGGG replaced by T.
Protein change: p.Val96_Ala100delinsSer.
Molecular consequence: inframe indel (on NM_000077.4). On other transcripts: 3 prime UTR variant (1).
Genome position (GRCh38, 1-based): chr9:21,971,061-21,971,073, CCCGGTGCAGCAC replaced by A on the plus strand (GTGCTGCACCGGG replaced by T on the coding strand, the reverse complement: CDKN2A is on the minus strand). VCF-style: chr9-21971061-CCCGGTGCAGCAC-A. GRCh37 (hg19) VCF-style: chr9-21971060-CCCGGTGCAGCAC-A.
Other names: c.286_298del13insT (NM_000077.4); c.286_298delGTGCTGCACCGGGinsT, p.Val96_Ala100delinsSer (NM_000077.6); c.286_298delinsT, p.Val96_Ala100delinsSer (NM_001195132.2); c.133_145delinsT, p.Val45_Ala49delinsSer (NM_001363763.2); c.329_341delinsT, p.Gly110_Gly114delinsVal (NM_058195.4); c.*209_*221delinsT (NM_058197.5).
Identifiers: ClinVar variation 3830991 (VCV003830991.1).

ClinVar aggregate classification (germline): Uncertain significance (1 of 4 stars; one submission).

Conditions:
Hereditary cancer-predisposing syndrome. Also called: Tumor predisposition; Hereditary Cancer Syndrome; Hereditary neoplastic syndrome; Neoplastic Syndromes, Hereditary. Identifiers: Orphanet 140162, MedGen C0027672, MeSH D009386, MONDO:0015356.

Submission:

Ambry Genetics
Classification: Uncertain significance for Hereditary cancer-predisposing syndrome. Last evaluated: 2024-12-24. Review status: criteria provided, single submitter. Criteria: Ambry Variant Classification Scheme 2023. Collection method: clinical testing. Allele origin: germline.
Comment: The c.286_298del13insT variant (also known as p.V96_A100delinsS), located in coding exon 2 of the CDKN2A gene, results from an in-frame deletion of GTGCTGCACCGGG and insertion of T at nucleotide positions 286 to 298. This results in the deletion of five amino acids and an insertion of a serine residue at codon 96. This alteration was identified in a familial melanoma family (Yarbrough WG. Laryngoscope, 2002 Dec;112:2114-28). This amino acid region is well conserved. In addition, this alteration is predicted to be deleterious by in silico analysis (Choi Y et al. PLoS ONE. 2012; 7(10):e46688). Based on the available evidence, the clinical significance of this variant remains unclear.

Literature cited by the submitters: PubMed 12461329.